The following is an entry in ClinVar:

NM_020366.4(RPGRIP1):c.2614A>G (p.Ile872Val)

Gene: RPGRIP1 (RPGR interacting protein 1; plus strand). Cytogenetic location: 14q11.2.
Variant type: single nucleotide variant.
Coding change: c.2614A>G on transcript NM_020366.4 (MANE Select); coding-DNA position 2614, A replaced by G.
Protein change: p.Ile872Val; replaces isoleucine 872 with valine.
Molecular consequence: missense variant. On other transcripts: intron variant (4).
Genome position (GRCh38, 1-based): chr14:21,326,077, A>G. VCF-style: chr14-21326077-A-G. GRCh37 (hg19) VCF-style: chr14-21794236-A-G.
Other names: c.1540A>G, p.Ile514Val (NM_001377948.1); c.796+1352A>G (NM_001377949.1); c.689-1546A>G (NM_001377523.1, NM_001377950.1); c.191-1546A>G (NM_001377951.1); short protein forms I872V, I514V.
Identifiers: ClinVar variation 958847 (VCV000958847.12), dbSNP rs747355604, ClinGen allele CA7089301.

ClinVar aggregate classification (germline): Conflicting classifications of pathogenicity. Review status: criteria provided, conflicting classifications (1 of 4 stars). 4 submissions from 4 submitters: Uncertain significance (2); Likely benign (1). 1 of the submissions does not count toward it. Last evaluated 2025-06-04.

Conditions:
Inborn genetic diseases. Identifiers: MedGen C0950123, MeSH D030342.
Retinal dystrophy. Also called: Inherited retinal dystrophy. Identifiers: Orphanet 71862, MedGen C0854723, MeSH D058499, MONDO:0019118, HP:0000556.
Cone-rod dystrophy 13 (CORD13). Identifiers: Orphanet 1872, MedGen C2750720, MONDO:0011987, OMIM 608194.
Leber congenital amaurosis 6 (LCA6). Identifiers: Orphanet 65, MedGen C1854260, MONDO:0013446, OMIM 613826.

Allele frequency attached by ClinVar (database versions not stated): gnomAD 0.00001.
gnomAD v4.1: 9 of 1,613,558 alleles (0.00056%); highest among the groups gnomAD compares: African/African-American, 0.0027%; no homozygotes.

Submissions (4):

Ambry Genetics
Classification: Likely benign for Inborn genetic diseases. Last evaluated: 2025-06-04. Review status: criteria provided, single submitter. Criteria: Ambry Variant Classification Scheme 2023. Collection method: clinical testing. Allele origin: germline.

Labcorp Genetics (formerly Invitae), Labcorp
Classification: Uncertain significance for Leber congenital amaurosis 6; Cone-rod dystrophy 13. Last evaluated: 2024-10-16. Review status: criteria provided, single submitter. Criteria: Invitae Variant Classification Sherloc (09022015). Collection method: clinical testing. Allele origin: germline.
Comment: This sequence change replaces isoleucine, which is neutral and non-polar, with valine, which is neutral and non-polar, at codon 872 of the RPGRIP1 protein (p.Ile872Val). This variant is present in population databases (rs747355604, gnomAD 0.0009%). This variant has not been reported in the literature in individuals affected with RPGRIP1-related conditions. ClinVar contains an entry for this variant (Variation ID: 958847). Invitae Evidence Modeling of protein sequence and biophysical properties (such as structural, functional, and spatial information, amino acid conservation, physicochemical variation, residue mobility, and thermodynamic stability) indicates that this missense variant is not expected to disrupt RPGRIP1 protein function with a negative predictive value of 80%. In summary, the available evidence is currently insufficient to determine the role of this variant in disease. Therefore, it has been classified as a Variant of Uncertain Significance.

Blueprint Genetics
Classification: Uncertain significance. Last evaluated: 2021-11-10. Review status: criteria provided, single submitter. Criteria: ACMG Guidelines, 2015. Collection method: clinical testing. Allele origin: germline.

Institute of Human Genetics, Univ. Regensburg, Univ. Regensburg
Classification: Uncertain significance for Retinal dystrophy. Last evaluated: 2023-01-01. Review status: no assertion criteria provided. Criteria: ACMG Guidelines, 2015. Collection method: clinical testing. Allele origin: germline. Affected: yes. Not counted in ClinVar's aggregate classification.